The following is an entry in ClinVar:

ClinVar aggregate classification (germline): Benign/Likely benign. Review status: criteria provided, multiple submitters, no conflicts (2 of 4 stars). 3 submissions from 3 submitters: Benign (1); Likely benign (2). Last evaluated 2024-02-21.

Conditions:
Idiopathic basal ganglia calcification 1 (PFBC1A). Also called: Familial Idiopathic Basal Ganglia Calcification 3; Primary Familial Brain Calcification; Familial Idiopathic Basal Ganglia Calcification 2; PRIMARY FAMILIAL BRAIN CALCIFICATION 1A, AUTOSOMAL DOMINANT; Fahr's syndrome; Cerebral calcification nonarteriosclerotic idiopathic adult-onset. Identifiers: Orphanet 1980, MedGen C4551624, MONDO:0024538, OMIM 213600.

Allele frequency attached by ClinVar (database versions not stated): ExAC 0.00006; gnomAD exomes 0.00006; 1000 Genomes Project 30x 0.00016; 1000 Genomes Project 0.00020; TOPMed 0.00001; gnomAD 0.00002 and 0.00005.
gnomAD v4.1: 94 of 1,613,870 alleles (0.0058%); highest among the groups gnomAD compares: East Asian, 0.2%; no homozygotes.

Submissions (3):

Blueprint Genetics
Classification: Likely benign. Last evaluated: 2024-02-21. Review status: criteria provided, single submitter. Criteria: ACMG Guidelines, 2015. Collection method: clinical testing. Allele origin: germline.

Labcorp Genetics (formerly Invitae), Labcorp
Classification: Likely benign. Last evaluated: 2018-01-30. Review status: criteria provided, single submitter. Criteria: Invitae Variant Classification Sherloc (09022015). Collection method: clinical testing. Allele origin: germline.

Illumina Laboratory Services, Illumina
Classification: Benign for Idiopathic basal ganglia calcification 1. Last evaluated: 2018-01-13. Review status: criteria provided, single submitter. Criteria: ICSL Variant Classification Criteria 13 December 2019. Collection method: clinical testing. Allele origin: germline.
Comment: This variant was observed in the ICSL laboratory as part of a predisposition screen in an ostensibly healthy population. It had not been previously curated by ICSL or reported in the Human Gene Mutation Database (HGMD: prior to June 1st, 2018), and was therefore a candidate for classification through an automated scoring system. Utilizing variant allele frequency, disease prevalence and penetrance estimates, and inheritance mode, an automated score was calculated to assess if this variant is too frequent to cause the disease. Based on the score and internal cut-off values, a variant classified as benign is not then subjected to further curation. The score for this variant resulted in a classification of benign for this disease.

NM_001257180.2(SLC20A2):c.1282C>T (p.Leu428=)

Gene: SLC20A2 (solute carrier family 20 member 2; minus strand). Cytogenetic location: 8p11.21.
Variant type: single nucleotide variant.
Coding change: c.1282C>T on transcript NM_001257180.2 (MANE Select); coding-DNA position 1282, C replaced by T.
Protein change: p.Leu428=; no amino-acid change (leucine 428 retained).
Molecular consequence: synonymous variant.
Genome position (GRCh38, 1-based): chr8:42,437,230, G>A on the plus strand (C>T on the coding strand, the complement: SLC20A2 is on the minus strand). VCF-style: chr8-42437230-G-A. GRCh37 (hg19) VCF-style: chr8-42294748-G-A.
Other names: c.1282C>T, p.Leu428= (NM_001257181.2, NM_006749.5).
Identifiers: ClinVar variation 721332 (VCV000721332.8), dbSNP rs199804961, ClinGen allele CA4733351.
Genomic context (GRCh38, chr8:42,437,230, plus strand): 5'-CCGCCTCGATCTCCGCCTCTGCCACCGCGTTACAGTAGCTCGAGTAGCTGTCGTAGCGCA[G>A]CCTCTTCTTGGAGTAGGACACGGTGTCGCCCACCAGCTTCTCACTGTCCTCTGGGGCCGA-3'
Protein context (NP_001244109.1, residues 418-438): GDTVSYSKKR[Leu428=]RYDSYSSYCN